The following is an entry in ClinVar:

ClinVar aggregate classification (germline): Uncertain significance (1 of 4 stars; one submission).

Conditions:
Norman-Roberts syndrome (LIS2). Also called: Lissencephaly 2 (Norman-Roberts type). Identifiers: Orphanet 89844, MedGen C0796089, MONDO:0009760, OMIM 257320.
Familial temporal lobe epilepsy 7. Identifiers: Orphanet 101046, MedGen C4225327, MONDO:0014639, OMIM 616436.

Submission:

Labcorp Genetics (formerly Invitae), Labcorp
Classification: Uncertain significance for Familial temporal lobe epilepsy 7; Norman-Roberts syndrome. Last evaluated: 2022-09-07. Review status: criteria provided, single submitter. Criteria: Invitae Variant Classification Sherloc (09022015). Collection method: clinical testing. Allele origin: germline.
Comment: This sequence change replaces arginine, which is basic and polar, with threonine, which is neutral and polar, at codon 1925 of the RELN protein (p.Arg1925Thr). This variant is not present in population databases (gnomAD no frequency). This variant has not been reported in the literature in individuals affected with RELN-related conditions. ClinVar contains an entry for this variant (Variation ID: 1353483). Algorithms developed to predict the effect of missense changes on protein structure and function are either unavailable or do not agree on the potential impact of this missense change (SIFT: "Deleterious"; PolyPhen-2: "Benign"; Align-GVGD: "Class C0"). In summary, the available evidence is currently insufficient to determine the role of this variant in disease. Therefore, it has been classified as a Variant of Uncertain Significance.

NM_005045.4(RELN):c.5774G>C (p.Arg1925Thr)

Gene: RELN (reelin; minus strand). Cytogenetic location: 7q22.1.
Variant type: single nucleotide variant.
Coding change: c.5774G>C on transcript NM_005045.4 (MANE Select); coding-DNA position 5774, G replaced by C.
Protein change: p.Arg1925Thr; replaces arginine 1925 with threonine.
Molecular consequence: missense variant.
Genome position (GRCh38, 1-based): chr7:103,557,000, C>G on the plus strand (G>C on the coding strand, the complement: RELN is on the minus strand). VCF-style: chr7-103557000-C-G. GRCh37 (hg19) VCF-style: chr7-103197447-C-G.
Other names: c.5774G>C, p.Arg1925Thr (NM_173054.3); short protein forms R1925T.
Identifiers: ClinVar variation 1353483 (VCV001353483.8), dbSNP rs779201520, ClinGen allele CA368741241.